The following is an entry in ClinVar:

NM_000051.4(ATM):c.2665dup (p.Tyr889fs)

Gene: ATM (ATM serine/threonine kinase; plus strand). Cytogenetic location: 11q22.3.
Variant type: Duplication.
Coding change: c.2665dup on transcript NM_000051.4 (MANE Select); coding-DNA position 2665, one base duplicated (T; older notation c.2665dupT).
Protein change: p.Tyr889fs; shifts the reading frame from tyrosine 889.
Molecular consequence: frameshift variant.
Genome position (GRCh38, 1-based): chr11:108,268,436, T duplicated. VCF-style (leftmost placement, unchanged base first): chr11-108268435-A-AT. GRCh37 (hg19) VCF-style: chr11-108139162-A-AT.
Other names: c.2665dup, p.Tyr889fs (NM_001351834.2); short protein forms Y889fs.
Identifiers: ClinVar variation 1451589 (VCV001451589.7), dbSNP rs2135523450, ClinGen allele CA2573146439.

ClinVar aggregate classification (germline): Pathogenic. Review status: criteria provided, multiple submitters, no conflicts (2 of 4 stars). 2 submissions from 2 submitters: Pathogenic (2). Last evaluated 2024-01-18.

Conditions:
Familial cancer of breast. Also called: BREAST CANCER, FAMILIAL; Hereditary breast cancer; hereditary breast carcinoma. Identifiers: Orphanet 227535, MedGen C0346153, MONDO:0016419, OMIM 114480. Disease mechanism: loss of function.
Ataxia-telangiectasia syndrome (AT). Also called: Ataxia-telangiectasia; LOUIS-BAR SYNDROME; AT, COMPLEMENTATION GROUP C; Ataxia-telangiectasia, complementation group E; Ataxia telangiectasia (A-T); Cerebello-oculocutaneous telangiectasia. Identifiers: Orphanet 100, MedGen C0004135, MONDO:0008840, OMIM 208900.

Submissions (2):

Myriad Genetics, Inc.
Classification: Pathogenic for Familial cancer of breast. Last evaluated: 2024-01-18. Review status: criteria provided, single submitter. Criteria: Myriad Autosomal Dominant, Autosomal Recessive and X-Linked Classification Criteria (2023). Collection method: clinical testing. Allele origin: unknown.
Comment: This variant is considered pathogenic. This variant creates a frameshift predicted to result in premature protein truncation.

Labcorp Genetics (formerly Invitae), Labcorp
Classification: Pathogenic for Ataxia-telangiectasia syndrome. Last evaluated: 2023-04-28. Review status: criteria provided, single submitter. Criteria: Invitae Variant Classification Sherloc (09022015). Collection method: clinical testing. Allele origin: germline.
Comment: For these reasons, this variant has been classified as Pathogenic. ClinVar contains an entry for this variant (Variation ID: 1451589). This variant has not been reported in the literature in individuals affected with ATM-related conditions. This variant is not present in population databases (gnomAD no frequency). This sequence change creates a premature translational stop signal (p.Tyr889Leufs*31) in the ATM gene. It is expected to result in an absent or disrupted protein product. Loss-of-function variants in ATM are known to be pathogenic (PMID: 23807571, 25614872).

Literature cited by the submitters: PubMed 23807571 (cited by Labcorp Genetics (formerly Invitae), Labcorp); PubMed 25614872 (cited by Labcorp Genetics (formerly Invitae), Labcorp).